The following is an entry in ClinVar:

ClinVar aggregate classification (germline): Uncertain significance (1 of 4 stars; one submission).

Allele frequency attached by ClinVar (database versions not stated): TOPMed 0.00004; ESP Exome Variant Server 0.00008; gnomAD 0.00003; gnomAD exomes 0.00003; ExAC 0.00004; 1000 Genomes Project 0.00020; 1000 Genomes Project 30x 0.00016.
gnomAD v4.1: 42 of 1,591,752 alleles (0.0026%); highest among the groups gnomAD compares: South Asian, 0.0066%; no homozygotes.

Submission:

Labcorp Genetics (formerly Invitae), Labcorp
Classification: Uncertain significance. Last evaluated: 2025-07-18. Review status: criteria provided, single submitter. Criteria: Invitae Variant Classification Sherloc (09022015). Collection method: clinical testing. Allele origin: germline.
Comment: This sequence change replaces alanine, which is neutral and non-polar, with valine, which is neutral and non-polar, at codon 334 of the GATA5 protein (p.Ala334Val). The frequency data for this variant in the population databases is considered unreliable, as metrics indicate poor data quality at this position in the gnomAD database. This variant has not been reported in the literature in individuals affected with GATA5-related conditions. ClinVar contains an entry for this variant (Variation ID: 1962248). Invitae Evidence Modeling of protein sequence and biophysical properties (such as structural, functional, and spatial information, amino acid conservation, physicochemical variation, residue mobility, and thermodynamic stability) indicates that this missense variant is not expected to disrupt GATA5 protein function with a negative predictive value of 80%. In summary, the available evidence is currently insufficient to determine the role of this variant in disease. Therefore, it has been classified as a Variant of Uncertain Significance.

NM_080473.5(GATA5):c.1001C>T (p.Ala334Val)

Gene: GATA5 (GATA binding protein 5; minus strand). Cytogenetic location: 20q13.33.
Variant type: single nucleotide variant.
Coding change: c.1001C>T on transcript NM_080473.5 (MANE Select); coding-DNA position 1001, C replaced by T.
Protein change: p.Ala334Val; replaces alanine 334 with valine.
Molecular consequence: missense variant.
Genome position (GRCh38, 1-based): chr20:62,465,377, G>A on the plus strand (C>T on the coding strand, the complement: GATA5 is on the minus strand). VCF-style: chr20-62465377-G-A. GRCh37 (hg19) VCF-style: chr20-61040433-G-A.
Other names: short protein forms A334V.
Identifiers: ClinVar variation 1962248 (VCV001962248.5), dbSNP rs373618873, ClinGen allele CA9946094.